The following is an entry in ClinVar:

ClinVar aggregate classification (germline): Pathogenic (1 of 4 stars; one submission).

Submission:

Labcorp Genetics (formerly Invitae), Labcorp
Classification: Pathogenic. Last evaluated: 2022-06-20. Review status: criteria provided, single submitter. Criteria: Invitae Variant Classification Sherloc (09022015). Collection method: clinical testing. Allele origin: germline.
Comment: For these reasons, this variant has been classified as Pathogenic. Algorithms developed to predict the effect of sequence changes on RNA splicing suggest that this variant may create or strengthen a splice site. This variant has not been reported in the literature in individuals affected with TBCK-related conditions. This variant is not present in population databases (gnomAD no frequency). This sequence change creates a premature translational stop signal (p.Val276Aspfs*19) in the TBCK gene. It is expected to result in an absent or disrupted protein product. Loss-of-function variants in TBCK are known to be pathogenic (PMID: 27040692, 30103036).

Literature cited by the submitters: PubMed 27040692; PubMed 30103036.

NM_001163435.3(TBCK):c.827del (p.Val276fs)

Gene: TBCK (TBC1 domain containing kinase; minus strand). Cytogenetic location: 4q24.
Variant type: Deletion.
Coding change: c.827del on transcript NM_001163435.3 (MANE Select); coding-DNA position 827, one base deleted (T; older notation c.827delT).
Protein change: p.Val276fs; shifts the reading frame from valine 276.
Molecular consequence: frameshift variant.
Genome position (GRCh38, 1-based): chr4:106,247,243, A deleted on the plus strand (T on the coding strand, the reverse complement: TBCK is on the minus strand). VCF-style (leftmost placement, unchanged base first): chr4-106247242-TA-T. GRCh37 (hg19) VCF-style: chr4-107168399-TA-T.
Other names: c.827del, p.Val276fs (NM_001163436.4); c.710del, p.Val237fs (NM_001163437.3); c.311del, p.Val104fs (NM_001290768.2); c.638del, p.Val213fs (NM_033115.5); short protein forms V104fs, V276fs, V213fs, V237fs.
Identifiers: ClinVar variation 1357150 (VCV001357150.6), dbSNP rs2150050474, ClinGen allele CA2573137929.